The following is an entry in ClinVar:

ClinVar aggregate classification (germline): Pathogenic. Review status: criteria provided, multiple submitters, no conflicts (2 of 4 stars). 3 submissions from 3 submitters: Pathogenic (3). Last evaluated 2025-05-17.

Conditions:
Recessive dystrophic epidermolysis bullosa (RDEB). Also called: DYSTROPHIC EPIDERMOLYSIS BULLOSA, AUTOSOMAL RECESSIVE; EPIDERMOLYSIS BULLOSA DYSTROPHICA, HALLOPEAU-SIEMENS TYPE; EPIDERMOLYSIS BULLOSA DYSTROPHICA, GENERALIZED SEVERE, AUTOSOMAL RECESSIVE; Epidermolysis Bullosa Distrophica Autosomal Recessive (RDEB); epidermolysis bullosa dystrophica, autosomal recessive; Recessive DEB (RDEB). Identifiers: Orphanet 79408, Orphanet 79409, MedGen C0079474, MONDO:0009179, OMIM 226600.
COL7A1-related disorder. Also called: COL7A1- related disorders; COL7A1-related condition.

Allele frequency attached by ClinVar (database versions not stated): gnomAD exomes below 0.00001.
gnomAD v4.1: 1 of 1,614,154 alleles (0.000062%); highest among the groups gnomAD compares: South Asian, 0.0011%; no homozygotes.

Submissions (3):

Myriad Genetics, Inc.
Classification: Pathogenic for Recessive dystrophic epidermolysis bullosa. Last evaluated: 2025-05-17. Review status: criteria provided, single submitter. Criteria: Myriad Autosomal Dominant, Autosomal Recessive and X-Linked Classification Criteria (2023). Collection method: clinical testing. Allele origin: unknown.
Comment: NM_000094.3(COL7A1):c.4588C>T(Q1530*) is expected to be pathogenic in the context of dystrophic epidermolysis bullosa. This variant is predicted to lead to an abnormal or absent protein product due to the creation of a premature termination codon in COL7A1, a gene where loss-of-function variants are known to be pathogenic. Please note: this variant was assessed in the context of healthy population screening.

Women's Health and Genetics/Laboratory Corporation of America, LabCorp
Classification: Pathogenic for COL7A1-Related Disorders. Last evaluated: 2023-12-21. Review status: criteria provided, single submitter. Criteria: LabCorp Variant Classification Summary - May 2015. Collection method: clinical testing. Allele origin: germline.
Comment: Variant summary: COL7A1 c.4588C>T (p.Gln1530X) results in a premature termination codon and is predicted to cause absence of the protein due to nonsense mediated decay, a commonly known mechanism for disease. The variant was absent in 251390 control chromosomes (gnomAD). c.4588C>T has been reported in the literature in at least one individual affected with Recessive Dystrophic Epidermolysis Bullosa (e.g. Gorell_2015). These data indicate that the variant is very likely associated with disease. To our knowledge, no experimental evidence demonstrating an impact on protein function has been reported. The following publication has been ascertained in the context of this evaluation (PMID: 25703736). One submitter has cited a clinical-significance assessment for this variant to ClinVar after 2014 and has classified the variant as pathogenic. Based on the evidence outlined above, the variant was classified as pathogenic.

Labcorp Genetics (formerly Invitae), Labcorp
Classification: Pathogenic. Last evaluated: 2023-05-16. Review status: criteria provided, single submitter. Criteria: Invitae Variant Classification Sherloc (09022015). Collection method: clinical testing. Allele origin: germline.
Comment: This premature translational stop signal has been observed in individual(s) with autosomal recessive dystrophic epidermolysis bullosa (PMID: 21967228). In at least one individual the data is consistent with being in trans (on the opposite chromosome) from a pathogenic variant. This variant is not present in population databases (gnomAD no frequency). This sequence change creates a premature translational stop signal (p.Gln1530*) in the COL7A1 gene. It is expected to result in an absent or disrupted protein product. Loss-of-function variants in COL7A1 are known to be pathogenic (PMID: 16971478). ClinVar contains an entry for this variant (Variation ID: 1071302). Algorithms developed to predict the effect of sequence changes on RNA splicing suggest that this variant may disrupt the consensus splice site. For these reasons, this variant has been classified as Pathogenic.

Literature cited by the submitters: PubMed 25703736 (cited by Women's Health and Genetics/Laboratory Corporation of America, LabCorp); PubMed 21967228 (cited by Labcorp Genetics (formerly Invitae), Labcorp); PubMed 16971478 (cited by Labcorp Genetics (formerly Invitae), Labcorp).

NM_000094.4(COL7A1):c.4588C>T (p.Gln1530Ter)

Gene: COL7A1 (collagen type VII alpha 1 chain; minus strand). Cytogenetic location: 3p21.31.
Variant type: single nucleotide variant.
Coding change: c.4588C>T on transcript NM_000094.4 (MANE Select); coding-DNA position 4588, C replaced by T.
Protein change: p.Gln1530Ter; replaces glutamine 1530 with a stop codon.
Molecular consequence: nonsense.
Genome position (GRCh38, 1-based): chr3:48,582,489, G>A on the plus strand (C>T on the coding strand, the complement: COL7A1 is on the minus strand). VCF-style: chr3-48582489-G-A. GRCh37 (hg19) VCF-style: chr3-48619922-G-A.
Other names: short protein forms Q1530*.
Identifiers: ClinVar variation 1071302 (VCV001071302.7), dbSNP rs2107718927, ClinGen allele CA352687995.